The following is an entry in ClinVar:

ClinVar aggregate classification (germline): Uncertain significance (1 of 4 stars; one submission).

Submission:

Ambry Genetics
Classification: Uncertain significance. Last evaluated: 2025-08-10. Review status: criteria provided, single submitter. Criteria: Ambry Variant Classification Scheme 2023. Collection method: clinical testing. Allele origin: germline.
Comment: The p.C585Y variant (also known as c.1754G>A), located in coding exon 9 of the ATRIP gene, results from a G to A substitution at nucleotide position 1754. The cysteine at codon 585 is replaced by tyrosine, an amino acid with highly dissimilar properties. This amino acid position is conserved. In addition, the in silico prediction for this alteration is inconclusive. Based on the available evidence, the clinical significance of this variant remains unclear.

NM_130384.3(ATRIP):c.1754G>A (p.Cys585Tyr)

Genes: ATRIP (ATR interacting protein; plus strand), ATRIP-TREX1 (ATRIP-TREX1 readthrough; plus strand). Cytogenetic location: 3p21.31.
Variant type: single nucleotide variant.
Coding change: c.1754G>A on transcript NM_130384.3 (MANE Select); coding-DNA position 1754, G replaced by A.
Protein change: p.Cys585Tyr; replaces cysteine 585 with tyrosine.
Molecular consequence: missense variant. On other transcripts: non-coding transcript variant (1).
Genome position (GRCh38, 1-based): chr3:48,463,753, G>A. VCF-style: chr3-48463753-G-A. GRCh37 (hg19) VCF-style: chr3-48505152-G-A.
Other names: c.1373G>A, p.Cys458Tyr (NM_001271022.2); c.1475G>A, p.Cys492Tyr (NM_001271023.2); c.1754G>A, p.Cys585Tyr (NM_032166.4); short protein forms C458Y, C585Y, C492Y.
Identifiers: ClinVar variation 3332435 (VCV003332435.2).